The following is an entry in ClinVar:

NM_000487.6(ARSA):c.938G>T (p.Arg313Leu)

Gene: ARSA (arylsulfatase A; minus strand). Cytogenetic location: 22q13.33.
Variant type: single nucleotide variant.
Coding change: c.938G>T on transcript NM_000487.6 (MANE Select); coding-DNA position 938, G replaced by T.
Protein change: p.Arg313Leu; replaces arginine 313 with leucine.
Molecular consequence: missense variant.
Genome position (GRCh38, 1-based): chr22:50,626,195, C>A on the plus strand (G>T on the coding strand, the complement: ARSA is on the minus strand). VCF-style: chr22-50626195-C-A. GRCh37 (hg19) VCF-style: chr22-51064623-C-A.
Other names: c.938G>T, p.Arg313Leu (NM_001085425.3, NM_001085426.3, NM_001085427.3); c.680G>T, p.Arg227Leu (NM_001085428.3, NM_001362782.2); short protein forms R227L, R313L.
Identifiers: ClinVar variation 2429111 (VCV002429111.6), dbSNP rs199476382, ClinGen allele CA412174508.
Genomic context (GRCh38, chr22:50,626,195, plus strand): 5'-AGAGGGCCTGCGGACTGACCGGGAGCGATATGACCTGGCCAGAAGGCCAAGGCAGGCTCT[C>A]GGACACCGCCCTCGTAGGTCGTTCCCTTTCCACACCGCAAGAGACCGGAGCAGCCGCCTC-3'
Protein context (NP_000478.3, residues 303-323): GKGTTYEGGV[Arg313Leu]EPALAFWPGH

ClinVar aggregate classification (germline): Uncertain significance. Review status: criteria provided, single submitter (1 of 4 stars). 2 submissions from 2 submitters: Uncertain significance (1). 1 of the submissions does not count toward it.

Conditions:
Metachromatic leukodystrophy (MLD). Also called: Cerebral sclerosis diffuse metachromatic form; ARSA DEFICIENCY; CEREBROSIDE SULFATASE DEFICIENCY; METACHROMATIC LEUKOENCEPHALOPATHY; Arylsulfatase A Deficiency; SULFATIDE LIPIDOSIS. Identifiers: Orphanet 512, MedGen C0023522, MONDO:0018868, OMIM 250100.

Submissions (2):

3billion
Classification: Uncertain significance for Metachromatic leukodystrophy. Review status: criteria provided, single submitter. Criteria: ACMG Guidelines, 2015. Collection method: clinical testing. Allele origin: unknown. Affected: yes. Observed: 1 homozygote.
Comment: The variant is not observed in the gnomAD v2.1.1 dataset. In silico tool predictions suggest damaging effect of the variant on gene or gene product (REVEL: 0.98; 3Cnet: 1.00). Different missense changes at the same codon (p.Arg313Gln, p.Arg313Gly, p.Arg313Pro) have been reported as pathogenic/likely pathogenic with strong evidence (ClinVar ID: VCV000068165 / PMID: 26462614, 34490615, 7581401). Therefore, this variant is classified as Uncertain significance according to the recommendation of ACMG/AMP guideline.

Rare Genetic Disease Lab, Dept of Zoology, Government Postgraduate College Dargai Malakand, Higher Education Govt. of Khyber Pakhtunkhwa
Classification: Uncertain significance for Metachromatic leukodystrophy. Last evaluated: 2023-02-06. Review status: no assertion criteria provided. Criteria: ACMG Guidelines, 2015. Collection method: research. Allele origin: germline. Inheritance: Autosomal recessive inheritance. Affected: yes. Observed: 7 variant alleles, 5 heterozygotes, 2 homozygotes. Not counted in ClinVar's aggregate classification.

Literature cited by the submitters: PubMed 34490615 (cited by 3billion); PubMed 7581401 (cited by 3billion); PubMed 26462614 (cited by 3billion).